The following is an entry in ClinVar:

ClinVar aggregate classification (germline): Uncertain significance (1 of 4 stars; one submission).

Allele frequency attached by ClinVar (database versions not stated): gnomAD exomes below 0.00001.

Submission:

Ambry Genetics
Classification: Uncertain significance. Last evaluated: 2021-10-06. Review status: criteria provided, single submitter. Criteria: Ambry Variant Classification Scheme 2023. Collection method: clinical testing. Allele origin: germline.
Comment: The p.M177I variant (also known as c.531G>A), located in coding exon 5 of the RECQL gene, results from a G to A substitution at nucleotide position 531. The methionine at codon 177 is replaced by isoleucine, an amino acid with highly similar properties. This amino acid position is conserved. In addition, this alteration is predicted to be tolerated by in silico analysis. Since supporting evidence is limited at this time, the clinical significance of this alteration remains unclear.

NM_002907.4(RECQL):c.531G>A (p.Met177Ile)

Gene: RECQL (RecQ like helicase; minus strand). Cytogenetic location: 12p12.1.
Variant type: single nucleotide variant.
Coding change: c.531G>A on transcript NM_002907.4 (MANE Select); coding-DNA position 531, G replaced by A.
Protein change: p.Met177Ile; replaces methionine 177 with isoleucine.
Molecular consequence: missense variant.
Genome position (GRCh38, 1-based): chr12:21,483,545, C>T on the plus strand (G>A on the coding strand, the complement: RECQL is on the minus strand). VCF-style: chr12-21483545-C-T. GRCh37 (hg19) VCF-style: chr12-21636479-C-T.
Other names: c.531G>A, p.Met177Ile (NM_032941.3); short protein forms M177I.
Identifiers: ClinVar variation 1746817 (VCV001746817.2), dbSNP rs2540375919, ClinGen allele CA384127862.